The following is an entry in ClinVar:

ClinVar aggregate classification (germline): Likely benign. Review status: criteria provided, single submitter (1 of 4 stars). 2 submissions from 2 submitters: Likely benign (1). 1 of the submissions does not count toward it. Last evaluated 2023-09-11.

Conditions:
RYR1-related disorder. Also called: RYR1-related condition; RYR1-related disorders. Identifiers: MedGen CN239331.

Allele frequency attached by ClinVar (database versions not stated): gnomAD exomes below 0.00001; TOPMed below 0.00001; gnomAD 0.00001.
gnomAD v4.1: 5 of 1,612,350 alleles (0.00031%); highest among the groups gnomAD compares: African/African-American, 0.0027%; no homozygotes.

Submissions (2):

Labcorp Genetics (formerly Invitae), Labcorp
Classification: Likely benign for RYR1-related disorder. Last evaluated: 2023-09-11. Review status: criteria provided, single submitter. Criteria: Invitae Variant Classification Sherloc (09022015). Collection method: clinical testing. Allele origin: germline.

PreventionGenetics, part of Exact Sciences
Classification: Likely benign for RYR1-related condition. Last evaluated: 2022-04-26. Review status: no assertion criteria provided. Collection method: clinical testing. Allele origin: germline. Not counted in ClinVar's aggregate classification.
Comment: This variant is classified as likely benign based on ACMG/AMP sequence variant interpretation guidelines (Richards et al. 2015 PMID: 25741868, with internal and published modifications).

NM_000540.3(RYR1):c.8838G>A (p.Leu2946=)

Gene: RYR1 (ryanodine receptor 1; plus strand). Cytogenetic location: 19q13.2.
Variant type: single nucleotide variant.
Coding change: c.8838G>A on transcript NM_000540.3 (MANE Select); coding-DNA position 8838, G replaced by A.
Protein change: p.Leu2946=; no amino-acid change (leucine 2946 retained).
Molecular consequence: synonymous variant.
Genome position (GRCh38, 1-based): chr19:38,507,733, G>A. VCF-style: chr19-38507733-G-A. GRCh37 (hg19) VCF-style: chr19-38998373-G-A.
Other names: c.8838G>A, p.Leu2946= (NM_001042723.2).
Identifiers: ClinVar variation 742855 (VCV000742855.10), dbSNP rs1388031583, ClinGen allele CA507245955.